The following is an entry in ClinVar:

NM_000179.3(MSH6):c.450A>C (p.Pro150=)

Gene: MSH6 (mutS homolog 6; plus strand). Cytogenetic location: 2p16.3.
Variant type: single nucleotide variant.
Coding change: c.450A>C on transcript NM_000179.3 (MANE Select); coding-DNA position 450, A replaced by C.
Protein change: p.Pro150=; no amino-acid change (proline 150 retained).
Molecular consequence: synonymous variant. On other transcripts: 5 prime UTR variant (2), intron variant (1).
Genome position (GRCh38, 1-based): chr2:47,791,116, A>C. VCF-style: chr2-47791116-A-C. GRCh37 (hg19) VCF-style: chr2-48018255-A-C.
Other names: c.-287A>C (NM_001281493.2); c.-453A>C (NM_001281494.2); c.238-7495A>C (NM_001281492.2).
Identifiers: ClinVar variation 795232 (VCV000795232.10), dbSNP rs1553410383, ClinGen allele CA425989610.

ClinVar aggregate classification (germline): Benign/Likely benign. Review status: criteria provided, multiple submitters, no conflicts (2 of 4 stars). 3 submissions from 3 submitters: Benign (1); Likely benign (2). Last evaluated 2024-12-18.

Conditions:
Hereditary cancer-predisposing syndrome. Also called: Neoplastic Syndromes, Hereditary; Hereditary neoplastic syndrome; Tumor predisposition; Hereditary Cancer Syndrome. Identifiers: Orphanet 140162, MedGen C0027672, MeSH D009386, MONDO:0015356.
Lynch syndrome 5 (LYNCH5). Also called: Colorectal cancer, hereditary nonpolyposis, type 5; Hereditary non-polyposis colorectal cancer, type 5. Identifiers: Orphanet 144, MedGen C1833477, MONDO:0013710, OMIM 614350. Disease mechanism: loss of function.
Hereditary nonpolyposis colorectal neoplasms. Identifiers: MedGen C0009405, MeSH D003123.

Submissions (3):

Myriad Genetics, Inc.
Classification: Benign for Lynch syndrome 5. Last evaluated: 2024-12-18. Review status: criteria provided, single submitter. Criteria: Myriad Autosomal Dominant, Autosomal Recessive and X-Linked Classification Criteria (2023). Collection method: clinical testing. Allele origin: unknown.
Comment: This variant is considered benign. This variant is a silent/synonymous amino acid change and it is not expected to impact splicing.

Ambry Genetics
Classification: Likely benign for Hereditary cancer-predisposing syndrome. Last evaluated: 2024-02-23. Review status: criteria provided, single submitter. Criteria: Ambry Variant Classification Scheme 2023. Collection method: clinical testing. Allele origin: germline.

Labcorp Genetics (formerly Invitae), Labcorp
Classification: Likely benign for Hereditary nonpolyposis colorectal neoplasms. Last evaluated: 2023-04-12. Review status: criteria provided, single submitter. Criteria: Invitae Variant Classification Sherloc (09022015). Collection method: clinical testing. Allele origin: germline.